The following is an entry in ClinVar:

ClinVar aggregate classification (germline): Likely benign (1 of 4 stars; one submission).

Submission:

CeGaT Center for Human Genetics Tuebingen
Classification: Likely benign. Last evaluated: 2023-01-01. Review status: criteria provided, single submitter. Criteria: CeGaT Center For Human Genetics Tuebingen Variant Classification Criteria Version 2. Collection method: clinical testing. Allele origin: germline. Affected: yes. Observed: 3 variant alleles.
Comment: GRTP1: BS2

NM_024719.4(GRTP1):c.466-1589G>T

Gene: GRTP1 (growth hormone regulated TBC protein 1; minus strand). Cytogenetic location: 13q34.
Variant type: single nucleotide variant.
Coding change: c.466-1589G>T on transcript NM_024719.4 (MANE Select); 1589 bases into the intron before coding-DNA position 466, G replaced by T.
Molecular consequence: intron variant.
Genome position (GRCh38, 1-based): chr13:113,346,548, C>A on the plus strand (G>T on the coding strand, the complement: GRTP1 is on the minus strand). VCF-style: chr13-113346548-C-A. GRCh37 (hg19) VCF-style: chr13-114000863-C-A.
Other names: c.466-1589G>T (NM_001286733.1, NM_001286732.2); c.232-1589G>T (NM_001411029.1).
Identifiers: ClinVar variation 2643993 (VCV002643993.24), dbSNP rs1427726240, ClinGen allele CA612715623.
Genomic context (GRCh38, chr13:113,346,548, plus strand): 5'-CTGACAGTGGACCCGGGAGGACCTCTGTGGCAAAGAGCAGACCCGGGAGGACCTCTGTGG[C>A]AAAGAGCAGACCCAGGAGGACCTCTGTGGCCGAGAACAGACCCGGGAGGACCTCTGTGCC-3'